The following is an entry in ClinVar:

ClinVar aggregate classification (germline): Uncertain significance. Review status: criteria provided, multiple submitters, no conflicts (2 of 4 stars). 2 submissions from 2 submitters: Uncertain significance (2). Last evaluated 2026-01-18.

Conditions:
Brugada syndrome 8 (BRGDA8). Identifiers: Orphanet 130, MedGen C2751083, MONDO:0013148, OMIM 613123.
Cardiovascular phenotype. Identifiers: MedGen CN230736.

Allele frequency attached by ClinVar (database versions not stated): TOPMed below 0.00001; gnomAD 0.00001.
gnomAD v4.1: 15 of 1,609,012 alleles (0.00093%); highest among the groups gnomAD compares: African/African-American, 0.0053%; no homozygotes.

Submissions (2):

Labcorp Genetics (formerly Invitae), Labcorp
Classification: Uncertain significance for Brugada syndrome 8. Last evaluated: 2026-01-18. Review status: criteria provided, single submitter. Criteria: Invitae Variant Classification Sherloc (09022015). Collection method: clinical testing. Allele origin: germline.
Comment: This sequence change replaces proline, which is neutral and non-polar, with threonine, which is neutral and polar, at codon 883 of the HCN4 protein (p.Pro883Thr). The frequency data for this variant in the population databases is considered unreliable, as metrics indicate poor data quality at this position in the gnomAD database. This variant has not been reported in the literature in individuals affected with HCN4-related conditions. ClinVar contains an entry for this variant (Variation ID: 2050338). Invitae Evidence Modeling of protein sequence and biophysical properties (such as structural, functional, and spatial information, amino acid conservation, physicochemical variation, residue mobility, and thermodynamic stability) indicates that this missense variant is not expected to disrupt HCN4 protein function with a negative predictive value of 95%. In summary, the available evidence is currently insufficient to determine the role of this variant in disease. Therefore, it has been classified as a Variant of Uncertain Significance.

Ambry Genetics
Classification: Uncertain significance for Cardiovascular phenotype. Last evaluated: 2024-12-08. Review status: criteria provided, single submitter. Criteria: Ambry Variant Classification Scheme 2023. Collection method: clinical testing. Allele origin: germline.
Comment: The p.P883T variant (also known as c.2647C>A), located in coding exon 8 of the HCN4 gene, results from a C to A substitution at nucleotide position 2647. The proline at codon 883 is replaced by threonine, an amino acid with highly similar properties. This amino acid position is conserved. In addition, this alteration is predicted to be tolerated by in silico analysis. Based on the available evidence, the clinical significance of this variant remains unclear.

NM_005477.3(HCN4):c.2647C>A (p.Pro883Thr)

Gene: HCN4 (hyperpolarization activated cyclic nucleotide gated potassium channel 4; minus strand). Cytogenetic location: 15q24.1.
Variant type: single nucleotide variant.
Coding change: c.2647C>A on transcript NM_005477.3 (MANE Select); coding-DNA position 2647, C replaced by A.
Protein change: p.Pro883Thr; replaces proline 883 with threonine.
Molecular consequence: missense variant.
Genome position (GRCh38, 1-based): chr15:73,323,446, G>T on the plus strand (C>A on the coding strand, the complement: HCN4 is on the minus strand). VCF-style: chr15-73323446-G-T. GRCh37 (hg19) VCF-style: chr15-73615787-G-T.
Other names: c.2647C>A (NM_005477.2); short protein forms P883T.
Identifiers: ClinVar variation 2050338 (VCV002050338.5), dbSNP rs780235330, ClinGen allele CA393088484.